The following is an entry in ClinVar:

NM_004656.4(BAP1):c.593A>T (p.Glu198Val)

Gene: BAP1 (BRCA1 associated deubiquitinase 1; minus strand). Cytogenetic location: 3p21.1.
Variant type: single nucleotide variant.
Coding change: c.593A>T on transcript NM_004656.4 (MANE Select); coding-DNA position 593, A replaced by T.
Protein change: p.Glu198Val; replaces glutamic acid 198 with valine.
Molecular consequence: missense variant.
Genome position (GRCh38, 1-based): chr3:52,406,895, T>A on the plus strand (A>T on the coding strand, the complement: BAP1 is on the minus strand). VCF-style: chr3-52406895-T-A. GRCh37 (hg19) VCF-style: chr3-52440911-T-A.
Other names: c.593A>T, p.Glu198Val (NM_001410772.1); short protein forms E198V.
Identifiers: ClinVar variation 3660153 (VCV003660153.3).
Genomic context (GRCh38, chr3:52,406,895, plus strand): 5'-GTGGCGAGGCCGATACGCTCCATGATGACCCGCCGGGCCTTGTCTGTCCACTCCTCGTCC[T>A]CCCCCCAGGGCCCTAGTGGAGACCAAGACAAGGAATCAGCGAGAAGGAAACCCTGAGTTT-3'
Protein context (NP_004647.1, residues 188-208): VYPIDHGPWG[Glu198Val]DEEWTDKARR

ClinVar aggregate classification (germline): Uncertain significance. Review status: criteria provided, multiple submitters, no conflicts (2 of 4 stars). 2 submissions from 2 submitters: Uncertain significance (2). Last evaluated 2026-01-03.

Conditions:
BAP1-related tumor predisposition syndrome (TPDS1). Also called: Tumor susceptibility linked to germline BAP1 mutations; COMMON Syndrome; TUMOR PREDISPOSITION SYNDROME 1; BAP1 tumor predisposition syndrome. Identifiers: Orphanet 289539, MedGen C3280492, MONDO:0013692, OMIM 614327.
Hereditary cancer-predisposing syndrome. Also called: Hereditary Cancer Syndrome; Neoplastic Syndromes, Hereditary; Tumor predisposition; Hereditary neoplastic syndrome. Identifiers: Orphanet 140162, MedGen C0027672, MeSH D009386, MONDO:0015356.

Submissions (2):

Ambry Genetics
Classification: Uncertain significance for Hereditary cancer-predisposing syndrome. Last evaluated: 2026-01-03. Review status: criteria provided, single submitter. Criteria: Ambry Variant Classification Scheme 2023. Collection method: clinical testing. Allele origin: germline.
Comment: The p.E198V variant (also known as c.593A>T), located in coding exon 8 of the BAP1 gene, results from an A to T substitution at nucleotide position 593. The glutamic acid at codon 198 is replaced by valine, an amino acid with dissimilar properties. This amino acid position is conserved. In addition, this alteration is predicted to be tolerated by in silico analysis. Based on the available evidence, the clinical significance of this variant remains unclear.

Labcorp Genetics (formerly Invitae), Labcorp
Classification: Uncertain significance for BAP1-related tumor predisposition syndrome. Last evaluated: 2024-07-22. Review status: criteria provided, single submitter. Criteria: Invitae Variant Classification Sherloc (09022015). Collection method: clinical testing. Allele origin: germline.
Comment: This sequence change replaces glutamic acid, which is acidic and polar, with valine, which is neutral and non-polar, at codon 198 of the BAP1 protein (p.Glu198Val). This variant is not present in population databases (gnomAD no frequency). This variant has not been reported in the literature in individuals affected with BAP1-related conditions. Advanced modeling of protein sequence and biophysical properties (such as structural, functional, and spatial information, amino acid conservation, physicochemical variation, residue mobility, and thermodynamic stability) performed at Invitae indicates that this missense variant is expected to disrupt BAP1 protein function with a positive predictive value of 80%. In summary, the available evidence is currently insufficient to determine the role of this variant in disease. Therefore, it has been classified as a Variant of Uncertain Significance.